The following is an entry in ClinVar:

ClinVar aggregate classification (germline): Pathogenic (1 of 4 stars; one submission).

Conditions:
Neonatal-onset encephalopathy with rigidity and seizures. Also called: Lethal neonatal spasticity-epileptic encephalopathy syndrome. Identifiers: Orphanet 435845, MedGen C3281029, MONDO:0013784, OMIM 614498.

Submission:

Labcorp Genetics (formerly Invitae), Labcorp
Classification: Pathogenic for Neonatal-onset encephalopathy with rigidity and seizures. Last evaluated: 2020-07-09. Review status: criteria provided, single submitter. Criteria: Invitae Variant Classification Sherloc (09022015). Collection method: clinical testing. Allele origin: germline.
Comment: This variant is a gross deletion of the genomic region encompassing exons 2-4 of the BRAT1 gene, which includes the initiator codon. The 5' end of this event is unknown as it extends beyond the assayed region for this gene and therefore may encompass additional genes. The 3' boundary is likely confined to intron 4 of the BRAT1 gene. This is expected to result in an absent or disrupted protein product. This deletion has not been reported in the literature in individuals with BRAT1-related disease. Loss-of-function variants in BRAT1 are known to be pathogenic (PMID: 22279524, 25500575). For these reasons, this variant has been classified as Pathogenic.

Literature cited by the submitters: PubMed 22279524; PubMed 25500575.

NC_000007.13:g.(?_2584533)_(2594065_?)del

Gene: BRAT1 (BRCA1 associated ATM activator 1; minus strand). Cytogenetic location: 7p22.3.
Variant type: Deletion.
Identifiers: ClinVar variation 1069574 (VCV001069574.1).